The following is an entry in ClinVar:

ClinVar aggregate classification (germline): Uncertain significance. Review status: criteria provided, multiple submitters, no conflicts (2 of 4 stars). 2 submissions from 2 submitters: Uncertain significance (2). Last evaluated 2024-03-19.

Conditions:
Inborn genetic diseases. Identifiers: MedGen C0950123, MeSH D030342.

Allele frequency attached by ClinVar (database versions not stated): TOPMed 0.00002; gnomAD exomes 0.00003; ExAC 0.00009.
gnomAD v4.1: 23 of 1,509,958 alleles (0.0015%); highest among the groups gnomAD compares: South Asian, 0.0074%; no homozygotes.

Submissions (2):

Ambry Genetics
Classification: Uncertain significance for Inborn genetic diseases. Last evaluated: 2024-03-19. Review status: criteria provided, single submitter. Criteria: Ambry Variant Classification Scheme 2023. Collection method: clinical testing. Allele origin: germline.

Labcorp Genetics (formerly Invitae), Labcorp
Classification: Uncertain significance. Last evaluated: 2023-09-19. Review status: criteria provided, single submitter. Criteria: Invitae Variant Classification Sherloc (09022015). Collection method: clinical testing. Allele origin: germline.
Comment: In summary, the available evidence is currently insufficient to determine the role of this variant in disease. Therefore, it has been classified as a Variant of Uncertain Significance. Algorithms developed to predict the effect of missense changes on protein structure and function output the following: SIFT: "Not Available"; PolyPhen-2: "Benign"; Align-GVGD: "Not Available". The leucine amino acid residue is found in multiple mammalian species, which suggests that this missense change does not adversely affect protein function. ClinVar contains an entry for this variant (Variation ID: 862858). This variant has not been reported in the literature in individuals affected with PRDM13-related conditions. This variant is present in population databases (rs754692246, gnomAD 0.01%). This sequence change replaces valine, which is neutral and non-polar, with leucine, which is neutral and non-polar, at codon 405 of the PRDM13 protein (p.Val405Leu).

NM_021620.4(PRDM13):c.1213G>T (p.Val405Leu)

Gene: PRDM13 (PR/SET domain 13; plus strand). Cytogenetic location: 6q16.2.
Variant type: single nucleotide variant.
Coding change: c.1213G>T on transcript NM_021620.4 (MANE Select); coding-DNA position 1213, G replaced by T.
Protein change: p.Val405Leu; replaces valine 405 with leucine.
Molecular consequence: missense variant.
Genome position (GRCh38, 1-based): chr6:99,613,848, G>T. VCF-style: chr6-99613848-G-T. GRCh37 (hg19) VCF-style: chr6-100061724-G-T.
Other names: short protein forms V405L.
Identifiers: ClinVar variation 862858 (VCV000862858.10), dbSNP rs754692246, ClinGen allele CA3936328.